The following is an entry in ClinVar:

ClinVar aggregate classification (germline): Pathogenic (1 of 4 stars; one submission).

Conditions:
Nemaline myopathy 2 (NEM2). Also called: Nemaline myopathy 2, autosomal recessive. Identifiers: MedGen C1850569, MONDO:0009725, OMIM 256030.

Submission:

Myriad Genetics, Inc.
Classification: Pathogenic for Nemaline myopathy 2. Last evaluated: 2026-03-31. Review status: criteria provided, single submitter. Criteria: Myriad Autosomal Dominant, Autosomal Recessive and X-Linked Classification Criteria (2023). Collection method: clinical testing. Allele origin: unknown.
Comment: NM_001271208.1(NEB):c.936C>A(Y312*) is expected to be pathogenic in the context of NEB-related nemaline myopathy. This variant is predicted to lead to an abnormal or absent protein product due to the creation of a premature termination codon in NEB, a gene where loss-of-function variants are known to be pathogenic. Please note: this variant was assessed in the context of healthy population screening.

NM_001164508.2(NEB):c.936C>A (p.Tyr312Ter)

Gene: NEB (nebulin; minus strand). Cytogenetic location: 2q23.3.
Variant type: single nucleotide variant.
Coding change: c.936C>A on transcript NM_001164508.2 (MANE Select); coding-DNA position 936, C replaced by A.
Protein change: p.Tyr312Ter; replaces tyrosine 312 with a stop codon.
Molecular consequence: nonsense.
Genome position (GRCh38, 1-based): chr2:151,709,755, G>T on the plus strand (C>A on the coding strand, the complement: NEB is on the minus strand). VCF-style: chr2-151709755-G-T. GRCh37 (hg19) VCF-style: chr2-152566269-G-T.
Other names: c.936C>A, p.Tyr312Ter (NM_001164507.2, NM_001271208.2, NM_004543.5); short protein forms Y312*.
Identifiers: ClinVar variation 5015751 (VCV005015751.1).
Genomic context (GRCh38, chr2:151,709,755, plus strand): 5'-CTCTGGTGTTTCGGTCTGCATGAAGTAGATCTGGTCTTTCATGTTTTCAAAATCTTCCTG[G>T]TATTTCCTCTGTAAGACATCAGACAAGCTGAAGAACTGCTGTGGAAATGAACTATGCAAG-3'